The following is an entry in ClinVar:

NM_001371533.1(FUT8):c.1521A>G (p.Gln507=)

Gene: FUT8 (fucosyltransferase 8; plus strand). Cytogenetic location: 14q23.3.
Variant type: single nucleotide variant.
Coding change: c.1521A>G on transcript NM_001371533.1 (MANE Select); coding-DNA position 1521, A replaced by G.
Protein change: p.Gln507=; no amino-acid change (glutamine 507 retained).
Molecular consequence: synonymous variant. On other transcripts: non-coding transcript variant (1).
Genome position (GRCh38, 1-based): chr14:65,742,203, A>G. VCF-style: chr14-65742203-A-G. GRCh37 (hg19) VCF-style: chr14-66208921-A-G.
Other names: c.1521A>G, p.Gln507= (NM_001371534.1, NM_178155.3, NM_178156.2); c.1623A>G, p.Gln541= (NM_001371536.1); c.1032A>G, p.Gln344= (NM_004480.4).
Identifiers: ClinVar variation 3347652 (VCV003347652.1).

ClinVar aggregate classification (germline): Likely benign (0 of 4 stars; one submission).

Conditions:
FUT8-related disorder. Also called: FUT8-related condition.

gnomAD v4.1: 34 of 1,613,058 alleles (0.0021%); highest among the groups gnomAD compares: African/African-American, 0.008%; no homozygotes.

Submission:

PreventionGenetics, part of Exact Sciences
Classification: Likely benign for FUT8-related condition. Last evaluated: 2020-03-03. Review status: no assertion criteria provided. Collection method: clinical testing. Allele origin: germline.
Comment: This variant is classified as likely benign based on ACMG/AMP sequence variant interpretation guidelines (Richards et al. 2015 PMID: 25741868, with internal and published modifications).